The following is an entry in ClinVar:

ClinVar aggregate classification (germline): Uncertain significance (1 of 4 stars; one submission).

Submission:

Women's Health and Genetics/Laboratory Corporation of America, LabCorp
Classification: Uncertain significance. Last evaluated: 2024-11-29. Review status: criteria provided, single submitter. Criteria: LabCorp Variant Classification Summary - May 2015. Collection method: clinical testing. Allele origin: germline.
Comment: Variant summary: The variant involves the duplication of exons 2-11 in the CASQ2 gene. A presumed nomenclature of c.(234+1_235-1)_(*1221_?)dup has been designated for the purposes of this classification. The exact breakpoint at the 3' end of this variant is unknown, therefore this duplication may extend downstream of the annotated region of the gene. As it duplicates the termination codon, its effect on the encoded protein is unknown. The variant was absent in 21694 control chromosomes. The available data on variant occurrences in the general population are insufficient to allow any conclusion about variant significance. To our knowledge, no occurrence of c.(234+1_235-1)_(*1221_?)dup in individuals affected with Catecholaminergic Polymorphic Ventricular Tachycardia and no experimental evidence demonstrating its impact on protein function have been reported. ClinVar contains an entry for this variant (Variation ID: 1511556). Based on the evidence outlined above, the variant was classified as uncertain significance.

NC_000001.10:g.(?_116242641)_(116287534_116310928)dup

Gene: CASQ2 (calsequestrin 2; minus strand). Cytogenetic location: 1p13.1.
Variant type: Duplication.
Identifiers: ClinVar variation 3629569 (VCV003629569.2).